The following is an entry in ClinVar:

NM_021008.4(DEAF1):c.905G>A (p.Arg302Lys)

Gene: DEAF1 (DEAF1 transcription factor; minus strand). Cytogenetic location: 11p15.5.
Variant type: single nucleotide variant.
Coding change: c.905G>A on transcript NM_021008.4 (MANE Select); coding-DNA position 905, G replaced by A.
Protein change: p.Arg302Lys; replaces arginine 302 with lysine.
Molecular consequence: missense variant. On other transcripts: intron variant (1).
Genome position (GRCh38, 1-based): chr11:681,055, C>T on the plus strand (G>A on the coding strand, the complement: DEAF1 is on the minus strand). VCF-style: chr11-681055-C-T. GRCh37 (hg19) VCF-style: chr11-681055-C-T.
Other names: c.179G>A, p.Arg60Lys (NM_001367390.1, NM_001440885.1, NM_001440886.1 and 1 more transcripts); c.905G>A, p.Arg302Lys (NM_001440883.1, NM_001440884.1); c.731-1239G>A (NM_001293634.2); short protein forms R302K, R60K.
Identifiers: ClinVar variation 4538936 (VCV004538936.1).

ClinVar aggregate classification (germline): Uncertain significance (1 of 4 stars; one submission).

Submission:

GeneDx
Classification: Uncertain significance. Last evaluated: 2025-06-18. Review status: criteria provided, single submitter. Criteria: GeneDx Variant Classification Process June 2021. Collection method: clinical testing. Allele origin: germline. Affected: yes.
Comment: Not observed at significant frequency in large population cohorts (gnomAD); In silico analysis suggests that this missense variant does not alter protein structure/function; Has not been previously published as pathogenic or benign to our knowledge